The following is an entry in ClinVar:

ClinVar aggregate classification (germline): Likely benign. Review status: criteria provided, single submitter (1 of 4 stars). 2 submissions from 2 submitters: Likely benign (1). 1 of the submissions does not count toward it. Last evaluated 2024-09-23.

Conditions:
ARMC5-related disorder. Also called: ARMC5-related condition.

Allele frequency attached by ClinVar (database versions not stated): TOPMed 0.00017; gnomAD 0.00023; ESP Exome Variant Server 0.00032; ExAC 0.00034; gnomAD exomes 0.00049.
gnomAD v4.1: 748 of 1,612,658 alleles (0.046%); highest among the groups gnomAD compares: South Asian, 0.14%; 1 homozygote.

Submissions (2):

Blueprint Genetics
Classification: Likely benign. Last evaluated: 2024-09-23. Review status: criteria provided, single submitter. Criteria: ACMG Guidelines, 2015. Collection method: clinical testing. Allele origin: germline.

PreventionGenetics, part of Exact Sciences
Classification: Benign for ARMC5-related condition. Last evaluated: 2019-03-19. Review status: no assertion criteria provided. Collection method: clinical testing. Allele origin: germline. Not counted in ClinVar's aggregate classification.
Comment: This variant is classified as benign based on ACMG/AMP sequence variant interpretation guidelines (Richards et al. 2015 PMID: 25741868, with internal and published modifications).

NM_001105247.2(ARMC5):c.909G>C (p.Leu303=)

Gene: ARMC5 (armadillo repeat containing 5; plus strand). Cytogenetic location: 16p11.2.
Variant type: single nucleotide variant.
Coding change: c.909G>C on transcript NM_001105247.2 (MANE Select); coding-DNA position 909, G replaced by C.
Protein change: p.Leu303=; no amino-acid change (leucine 303 retained).
Molecular consequence: synonymous variant.
Genome position (GRCh38, 1-based): chr16:31,462,456, G>C. VCF-style: chr16-31462456-G-C. GRCh37 (hg19) VCF-style: chr16-31473777-G-C.
Other names: c.1194G>C, p.Leu398= (NM_001288767.2); c.1005G>C, p.Leu335= (NM_001301820.1); c.909G>C, p.Leu303= (NM_024742.2).
Identifiers: ClinVar variation 3043229 (VCV003043229.3), dbSNP rs377221865, ClinGen allele CA8029575.